The following is an entry in ClinVar:

ClinVar aggregate classification (germline): Uncertain significance (0 of 4 stars; one submission).

Conditions:
Prostate cancer. Also called: Malignant tumor of prostate. Identifiers: Orphanet 1331, MedGen C0376358, MONDO:0008315, HP:0012125.

Submission:

Science for Life laboratory,  Karolinska Institutet
Classification: Uncertain significance for Malignant tumor of prostate. Review status: no assertion criteria provided. Collection method: not provided. Allele origin: somatic.
Comment: TumorID:SWE-19
ClinVar note: Converted during submission from Unknown to Uncertain significance.

NM_007203.5(PALM2AKAP2):c.625G>T (p.Glu209Ter)

Gene: PALM2AKAP2 (PALM2 and AKAP2 fusion; plus strand). Cytogenetic location: 9q31.3.
Variant type: single nucleotide variant.
Coding change: c.625G>T on transcript NM_007203.5 (MANE Select); coding-DNA position 625, G replaced by T.
Protein change: p.Glu209Ter; replaces glutamic acid 209 with a stop codon.
Molecular consequence: nonsense. On other transcripts: 5 prime UTR variant (1).
Genome position (GRCh38, 1-based): chr9:110,136,169, G>T. VCF-style: chr9-110136169-G-T. GRCh37 (hg19) VCF-style: chr9-112898449-G-T.
Other names: c.199G>T, p.Glu67Ter (NM_001004065.4, NM_001198656.1); c.-69G>T (NM_001136562.3); c.625G>T, p.Glu209Ter (NM_147150.3); short protein forms E209*, E67*.
Identifiers: ClinVar variation 161812 (VCV000161812.2), dbSNP rs193920924, ClinGen allele CA174832.
Genomic context (GRCh38, chr9:110,136,169, plus strand): 5'-GTTTACTCTTTATTCCAGAAGCCTCCCCAGCTTTCTGAGGATGATATCTGGCTAAAAAGC[G>T]AGGGAGACAACTATAGTGCCACCCTCCTGGAGCCTGCTGCCAGCTCTCTTTCCCCAGATC-3'